The following is an entry in ClinVar:

ClinVar aggregate classification (germline): Pathogenic (1 of 4 stars; one submission).

Submission:

Labcorp Genetics (formerly Invitae), Labcorp
Classification: Pathogenic. Last evaluated: 2021-06-01. Review status: criteria provided, single submitter. Criteria: Invitae Variant Classification Sherloc (09022015). Collection method: clinical testing. Allele origin: germline.
Comment: This sequence change creates a premature translational stop signal (p.Lys288Glyfs*2) in the COL4A5 gene. It is expected to result in an absent or disrupted protein product. Loss-of-function variants in COL4A5 are known to be pathogenic (PMID: 9195222, 10752524, 14514738, 24854265, 26809805). This variant is not present in population databases (ExAC no frequency). This variant has not been reported in the literature in individuals with COL4A5-related conditions. For these reasons, this variant has been classified as Pathogenic.

Literature cited by the submitters: PubMed 9195222; PubMed 10752524; PubMed 14514738; PubMed 24854265; PubMed 26809805.

NM_033380.3(COL4A5):c.858_859del (p.Lys288fs)

Gene: COL4A5 (collagen type IV alpha 5 chain; plus strand). Cytogenetic location: Xq22.3.
Variant type: Deletion.
Coding change: c.858_859del on transcript NM_033380.3 (MANE Select); coding-DNA positions 858 to 859, 2 bases deleted (TG; older notation c.858_859delTG).
Protein change: p.Lys288fs; shifts the reading frame from lysine 288.
Molecular consequence: frameshift variant.
Genome position (GRCh38, 1-based): chrX:108,580,705-108,580,706, TG deleted; deleting any 2 consecutive bases within chrX:108,580,704-108,580,706 gives the same sequence; the c. name uses the placement nearest the transcript's 3' end. VCF-style (leftmost placement, unchanged base first): chrX-108580703-GGT-G. GRCh37 (hg19) VCF-style: chrX-107823933-GGT-G.
Other names: c.858_859del, p.Lys288fs (NM_000495.5); short protein forms K288fs.
Identifiers: ClinVar variation 1454653 (VCV001454653.6), dbSNP rs2147776596, ClinGen allele CA2573159077.
Genomic context (GRCh38, chrX:108,580,703, plus strand): 5'-ATCCCATGAACCATTGTGAAACTATTTTTATGTGTACAGGGTCCCCCAGGTGGTGAGAAA[GGT>G]GAGAAGGGTGAGCAAGGAGAGCCAGGCAAAAGAGTAAGTGATGTAACTGCTAATATTCTT-3'